The following is an entry in ClinVar:

NM_014391.3(ANKRD1):c.685A>G (p.Thr229Ala)

Gene: ANKRD1 (ankyrin repeat domain 1; minus strand). Cytogenetic location: 10q23.31.
Variant type: single nucleotide variant.
Coding change: c.685A>G on transcript NM_014391.3 (MANE Select); coding-DNA position 685, A replaced by G.
Protein change: p.Thr229Ala; replaces threonine 229 with alanine.
Molecular consequence: missense variant.
Genome position (GRCh38, 1-based): chr10:90,915,847, T>C on the plus strand (A>G on the coding strand, the complement: ANKRD1 is on the minus strand). VCF-style: chr10-90915847-T-C. GRCh37 (hg19) VCF-style: chr10-92675604-T-C.
Other names: short protein forms T229A.
Identifiers: ClinVar variation 3543093 (VCV003543093.3).

ClinVar aggregate classification (germline): Uncertain significance. Review status: criteria provided, multiple submitters, no conflicts (2 of 4 stars). 2 submissions from 2 submitters: Uncertain significance (2). Last evaluated 2024-10-21.

Conditions:
Cardiovascular phenotype. Identifiers: MedGen CN230736.
ANKRD1-related dilated cardiomyopathy. Identifiers: MedGen CN119551.

Submissions (2):

Ambry Genetics
Classification: Uncertain significance for Cardiovascular phenotype. Last evaluated: 2024-10-21. Review status: criteria provided, single submitter. Criteria: Ambry Variant Classification Scheme 2023. Collection method: clinical testing. Allele origin: germline.
Comment: The p.T229A variant (also known as c.685A>G), located in coding exon 7 of the ANKRD1 gene, results from an A to G substitution at nucleotide position 685. The threonine at codon 229 is replaced by alanine, an amino acid with similar properties. This amino acid position is conserved. In addition, the in silico prediction for this alteration is inconclusive. Based on the available evidence, the clinical significance of this variant remains unclear.

Labcorp Genetics (formerly Invitae), Labcorp
Classification: Uncertain significance for ANKRD1-related dilated cardiomyopathy. Last evaluated: 2024-06-17. Review status: criteria provided, single submitter. Criteria: Invitae Variant Classification Sherloc (09022015). Collection method: clinical testing. Allele origin: germline.
Comment: This sequence change replaces threonine, which is neutral and polar, with alanine, which is neutral and non-polar, at codon 229 of the ANKRD1 protein (p.Thr229Ala). This variant is not present in population databases (gnomAD no frequency). This variant has not been reported in the literature in individuals affected with ANKRD1-related conditions. Advanced modeling of protein sequence and biophysical properties (such as structural, functional, and spatial information, amino acid conservation, physicochemical variation, residue mobility, and thermodynamic stability) has been performed at Invitae for this missense variant, however the output from this modeling did not meet the statistical confidence thresholds required to predict the impact of this variant on ANKRD1 protein function. In summary, the available evidence is currently insufficient to determine the role of this variant in disease. Therefore, it has been classified as a Variant of Uncertain Significance.